The following is an entry in ClinVar:

NC_000002.11:g.(?_169824917)_(169830370_?)del

Gene: ABCB11 (ATP binding cassette subfamily B member 11; minus strand). Cytogenetic location: 2q31.1.
Variant type: Deletion.
Identifiers: ClinVar variation 3247517 (VCV003247517.1).

ClinVar aggregate classification (germline): Pathogenic (1 of 4 stars; one submission).

Submission:

Labcorp Genetics (formerly Invitae), Labcorp
Classification: Pathogenic. Last evaluated: 2023-05-02. Review status: criteria provided, single submitter. Criteria: Invitae Variant Classification Sherloc (09022015). Collection method: clinical testing. Allele origin: unknown.
Comment: For these reasons, this variant has been classified as Pathogenic. A similar copy number variant has been observed in individual(s) with progressive familial intrahepatic cholestasis (PMID: 18487280, 20627390). This variant is a gross deletion of the genomic region encompassing exon(s) 13-17 of the ABCB11 gene. This deletion is out-of-frame, and is expected to create a premature termination codon and result in an absent or disrupted protein product. Loss-of-function variants in ABCB11 are known to be pathogenic (PMID: 18395098, 20232290).

Literature cited by the submitters: PubMed 18487280; PubMed 20627390; PubMed 18395098; PubMed 20232290.